The following is an entry in ClinVar:

ClinVar aggregate classification (germline): Uncertain significance (1 of 4 stars; one submission).

Allele frequency attached by ClinVar (database versions not stated): ExAC 0.00002; gnomAD 0.00001; gnomAD exomes 0.00001.

Submission:

Labcorp Genetics (formerly Invitae), Labcorp
Classification: Uncertain significance. Last evaluated: 2026-01-14. Review status: criteria provided, single submitter. Criteria: Invitae Variant Classification Sherloc (09022015). Collection method: clinical testing. Allele origin: germline.
Comment: This sequence change replaces arginine, which is basic and polar, with cysteine, which is neutral and slightly polar, at codon 93 of the TNNI3K protein (p.Arg93Cys). This variant is present in population databases (rs780125125, gnomAD 0.007%). This variant has not been reported in the literature in individuals affected with TNNI3K-related conditions. ClinVar contains an entry for this variant (Variation ID: 1967416). Invitae Evidence Modeling of protein sequence and biophysical properties (such as structural, functional, and spatial information, amino acid conservation, physicochemical variation, residue mobility, and thermodynamic stability) indicates that this missense variant is not expected to disrupt TNNI3K protein function with a negative predictive value of 80%. In summary, the available evidence is currently insufficient to determine the role of this variant in disease. Therefore, it has been classified as a Variant of Uncertain Significance.

NM_015978.3(TNNI3K):c.277C>T (p.Arg93Cys)

Genes: FPGT-TNNI3K (FPGT-TNNI3K readthrough; plus strand), TNNI3K (TNNI3 interacting kinase; plus strand). Cytogenetic location: 1p31.1.
Variant type: single nucleotide variant.
Coding change: c.277C>T on transcript NM_015978.3 (MANE Select); coding-DNA position 277, C replaced by T.
Protein change: p.Arg93Cys; replaces arginine 93 with cysteine.
Molecular consequence: missense variant.
Genome position (GRCh38, 1-based): chr1:74,250,713, C>T. VCF-style: chr1-74250713-C-T. GRCh37 (hg19) VCF-style: chr1-74716397-C-T.
Other names: c.580C>T, p.Arg194Cys (NM_001112808.3, NM_001199327.2); short protein forms R93C, R194C.
Identifiers: ClinVar variation 1967416 (VCV001967416.5), dbSNP rs780125125, ClinGen allele CA908842.